The following is an entry in ClinVar:

NM_000051.4(ATM):c.5618G>A (p.Cys1873Tyr)

Gene: ATM (ATM serine/threonine kinase; plus strand). Cytogenetic location: 11q22.3.
Variant type: single nucleotide variant.
Coding change: c.5618G>A on transcript NM_000051.4 (MANE Select); coding-DNA position 5618, G replaced by A.
Protein change: p.Cys1873Tyr; replaces cysteine 1873 with tyrosine.
Molecular consequence: missense variant.
Genome position (GRCh38, 1-based): chr11:108,304,796, G>A. VCF-style: chr11-108304796-G-A. GRCh37 (hg19) VCF-style: chr11-108175523-G-A.
Other names: c.5618G>A, p.Cys1873Tyr (NM_001351834.2); short protein forms C1873Y.
Identifiers: ClinVar variation 233138 (VCV000233138.23), dbSNP rs587782239, ClinGen allele CA10579188.

ClinVar aggregate classification (germline): Conflicting classifications of pathogenicity. Review status: criteria provided, conflicting classifications (1 of 4 stars). 7 submissions from 7 submitters: Uncertain significance (6); Likely benign (1). Last evaluated 2025-12-24.

Conditions:
Hereditary cancer-predisposing syndrome. Also called: Neoplastic Syndromes, Hereditary; Hereditary neoplastic syndrome; Hereditary Cancer Syndrome; Tumor predisposition. Identifiers: Orphanet 140162, MedGen C0027672, MeSH D009386, MONDO:0015356.
Familial cancer of breast. Also called: hereditary breast carcinoma; Hereditary breast cancer; BREAST CANCER, FAMILIAL. Identifiers: Orphanet 227535, MedGen C0346153, MONDO:0016419, OMIM 114480. Disease mechanism: loss of function.
Ataxia-telangiectasia syndrome (AT). Also called: Cerebello-oculocutaneous telangiectasia; Immunodeficiency with ataxia telangiectasia; Ataxia-telangiectasia, complementation group E; Ataxia telangiectasia (A-T); LOUIS-BAR SYNDROME; Ataxia-telangiectasia, complementation group D. Identifiers: Orphanet 100, MedGen C0004135, MONDO:0008840, OMIM 208900.

Allele frequency attached by ClinVar (database versions not stated): gnomAD 0.00010.

Submissions (7):

Labcorp Genetics (formerly Invitae), Labcorp
Classification: Uncertain significance for Ataxia-telangiectasia syndrome. Last evaluated: 2025-12-24. Review status: criteria provided, single submitter. Criteria: Invitae Variant Classification Sherloc (09022015). Collection method: clinical testing. Allele origin: germline.
Comment: This sequence change replaces cysteine, which is neutral and slightly polar, with tyrosine, which is neutral and polar, at codon 1873 of the ATM protein (p.Cys1873Tyr). This variant is present in population databases (no rsID available, gnomAD 0.02%). This variant has not been reported in the literature in individuals affected with ATM-related conditions. ClinVar contains an entry for this variant (Variation ID: 233138). Invitae Evidence Modeling of protein sequence and biophysical properties (such as structural, functional, and spatial information, amino acid conservation, physicochemical variation, residue mobility, and thermodynamic stability) indicates that this missense variant is not expected to disrupt ATM protein function with a negative predictive value of 95%. In summary, the available evidence is currently insufficient to determine the role of this variant in disease. Therefore, it has been classified as a Variant of Uncertain Significance.

Color Diagnostics, LLC DBA Color Health
Classification: Uncertain significance for Hereditary cancer-predisposing syndrome. Last evaluated: 2024-11-18. Review status: criteria provided, single submitter. Criteria: ACMG Guidelines, 2015. Collection method: clinical testing. Allele origin: germline.
Comment: This missense variant replaces cysteine with tyrosine at codon 1873 of the ATM protein. Computational prediction suggests that this variant may not impact protein structure and function. To our knowledge, functional studies have not been reported for this variant. This variant has not been reported in individuals affected with hereditary cancer in the literature. This variant has been identified in 3/31378 chromosomes in the general population by the Genome Aggregation Database (gnomAD). The available evidence is insufficient to determine the role of this variant in disease conclusively. Therefore, this variant is classified as a Variant of Uncertain Significance.

GeneDx
Classification: Uncertain significance. Last evaluated: 2024-08-26. Review status: criteria provided, single submitter. Criteria: GeneDx Variant Classification Process June 2021. Collection method: clinical testing. Allele origin: germline. Affected: yes.
Comment: In silico analysis indicates that this missense variant does not alter protein structure/function; This variant is associated with the following publications: (PMID: 29522266)

Blueprint Genetics
Classification: Uncertain significance. Last evaluated: 2024-06-10. Review status: criteria provided, single submitter. Criteria: ACMG Guidelines, 2015. Collection method: clinical testing. Allele origin: germline.

Baylor Genetics
Classification: Uncertain significance for Familial cancer of breast. Last evaluated: 2023-11-18. Review status: criteria provided, single submitter. Criteria: ACMG Guidelines, 2015. Collection method: clinical testing. Allele origin: unknown.

Ambry Genetics
Classification: Likely benign for Hereditary cancer-predisposing syndrome. Last evaluated: 2018-02-12. Review status: criteria provided, single submitter. Criteria: Ambry Variant Classification Scheme 2023. Collection method: clinical testing. Allele origin: germline.

Women's Health and Genetics/Laboratory Corporation of America, LabCorp
Classification: Uncertain significance. Last evaluated: 2017-04-06. Review status: criteria provided, single submitter. Criteria: LabCorp Variant Classification Summary - May 2015. Collection method: clinical testing. Allele origin: germline.
Comment: Variant summary: The c.5618G>A (p.Cys1873Tyr) in ATM gene is a missense change that involves a non-conserved nucleotide and 2/4 in silico tools predict benign outcome. The variant of interest is located outside of any known functional domain. The variant is absent from the control population dataset of ExAC (0/120620chrs tested), but is identified in 3/30954chrs tested of gnomAD dataset. This variant has not, to our knowledge, been reported in affected individuals via published reports, but is cited as VUS by a reputable database/clinical laboratory. Taking together, the variant was classified as VUS.